The following is an entry in ClinVar:

ClinVar aggregate classification (germline): Uncertain significance (1 of 4 stars; one submission).

Conditions:
Inborn genetic diseases. Identifiers: MedGen C0950123, MeSH D030342.

Submission:

Ambry Genetics
Classification: Uncertain significance for Inborn genetic diseases. Last evaluated: 2024-11-15. Review status: criteria provided, single submitter. Criteria: Ambry Variant Classification Scheme 2023. Collection method: clinical testing. Allele origin: germline.
Comment: The p.M968L variant (also known as c.2902A>T), located in coding exon 23 of the LRRK2 gene, results from an A to T substitution at nucleotide position 2902. The methionine at codon 968 is replaced by leucine, an amino acid with highly similar properties. This amino acid position is conserved. In addition, this alteration is predicted to be tolerated by in silico analysis. Based on the available evidence, the clinical significance of this variant remains unclear.

NM_198578.4(LRRK2):c.2902A>T (p.Met968Leu)

Gene: LRRK2 (leucine rich repeat kinase 2; plus strand). Cytogenetic location: 12q12.
Variant type: single nucleotide variant.
Coding change: c.2902A>T on transcript NM_198578.4 (MANE Select); coding-DNA position 2902, A replaced by T.
Protein change: p.Met968Leu; replaces methionine 968 with leucine.
Molecular consequence: missense variant.
Genome position (GRCh38, 1-based): chr12:40,295,450, A>T. VCF-style: chr12-40295450-A-T. GRCh37 (hg19) VCF-style: chr12-40689252-A-T.
Other names: short protein forms M968L.
Identifiers: ClinVar variation 3540788 (VCV003540788.1).